The following is an entry in ClinVar:

ClinVar aggregate classification (germline): Likely pathogenic (1 of 4 stars; one submission).

Conditions:
Non-Fanconi anemia cytopenia.
Fanconi anaemia or Bloom syndrome.

Submission:

North West Genomic Laboratory Hub, Manchester University NHS Foundation Trust
Classification: Likely pathogenic for Fanconi anaemia or Bloom syndrome; Non-Fanconi anemia cytopenia. Last evaluated: 2025-11-20. Review status: criteria provided, single submitter. Criteria: ACGS Best Practice Guidelines for Variant Classification in Rare Disease 2024. Collection method: clinical testing. Allele origin: germline. Affected: yes.
Comment: PM1_Mod PP4_Mod PM2_Mod

NR_001566.3(TERC):n.175A>C

Genes: TERC (telomerase RNA component; minus strand), LOC110806306 (telomerase RNA component (TERC) promoter; plus strand). Cytogenetic location: 3q26.2.
Variant type: single nucleotide variant.
Molecular consequence: non-coding transcript variant (on NR_001566.3).
Genome position: GRCh38 VCF-style: chr3-169764886-T-G. GRCh37 (hg19) VCF-style: chr3-169482674-T-G.
Identifiers: ClinVar variation 4871732 (VCV004871732.1).